The following is an entry in ClinVar:

NM_000276.4(OCRL):c.40-5C>T

Gene: OCRL (OCRL inositol polyphosphate-5-phosphatase; plus strand). Cytogenetic location: Xq26.1.
Variant type: single nucleotide variant.
Coding change: c.40-5C>T on transcript NM_000276.4 (MANE Select); 5 bases into the intron before coding-DNA position 40, C replaced by T.
Molecular consequence: intron variant. On other transcripts: splice acceptor variant (1).
Genome position (GRCh38, 1-based): chrX:129,540,739, C>T. VCF-style: chrX-129540739-C-T. GRCh37 (hg19) VCF-style: chrX-128674716-C-T.
Other names: c.40-2C>T (NM_001318784.2); c.40-5C>T (NM_001587.4).
Identifiers: ClinVar variation 211780 (VCV000211780.33), dbSNP rs201211377, ClinGen allele CA209906.

ClinVar aggregate classification (germline): Conflicting classifications of pathogenicity. Review status: criteria provided, conflicting classifications (1 of 4 stars). 7 submissions from 7 submitters: Uncertain significance (2); Benign (1); Likely benign (2). 2 of the submissions do not count toward it. Last evaluated 2026-01-31.

Conditions:
Nephrolithiasis/nephrocalcinosis. Identifiers: MedGen CN580796.
Lowe syndrome (OCRL). Also called: LOWE OCULOCEREBRORENAL SYNDROME; Oculocerebrorenal Syndrome; PHOSPHATIDYLINOSITOL 4,5-BISPHOSPHATE 5-PHOSPHATASE DEFICIENCY. Identifiers: Orphanet 534, MedGen C0028860, MONDO:0010645, OMIM 309000.

Allele frequency attached by ClinVar (database versions not stated): gnomAD exomes 0.00021; ExAC 0.00024; ESP Exome Variant Server 0.00038; gnomAD 0.00082 and 0.00088; TOPMed 0.00112; 1000 Genomes Project 0.00132; 1000 Genomes Project 30x 0.00146.
gnomAD v4.1: 235 of 1,203,798 alleles (0.02%); highest among the groups gnomAD compares: African/African-American, 0.33%; no homozygotes.

Submissions (7):

Labcorp Genetics (formerly Invitae), Labcorp
Classification: Benign for Lowe syndrome. Last evaluated: 2026-01-31. Review status: criteria provided, single submitter. Criteria: Invitae Variant Classification Sherloc (09022015). Collection method: clinical testing. Allele origin: germline.

CeGaT Center for Human Genetics Tuebingen
Classification: Likely benign. Last evaluated: 2025-10-01. Review status: criteria provided, single submitter. Criteria: CeGaT Center For Human Genetics Tuebingen Variant Classification Criteria Version 2. Collection method: clinical testing. Allele origin: germline. Affected: yes. Observed: 2 variant alleles.
Comment: OCRL: BP4, BS2

Ambry Genetics
Classification: Likely benign for Nephrolithiasis/nephrocalcinosis. Last evaluated: 2019-03-18. Review status: criteria provided, single submitter. Criteria: Ambry Variant Classification Scheme 2023. Collection method: clinical testing. Allele origin: germline.

Genomic Research Center, Shahid Beheshti University of Medical Sciences
Classification: Uncertain significance for Lowe syndrome. Last evaluated: 2018-08-07. Review status: criteria provided, single submitter. Criteria: ACMG Guidelines, 2015. Collection method: clinical testing. Allele origin: inherited. Affected: yes. Observed: 1 variant allele.

Genetic Services Laboratory, University of Chicago
Classification: Uncertain significance. Last evaluated: 2015-04-23. Review status: criteria provided, single submitter. Criteria: ACMG Guidelines, 2015. Collection method: clinical testing. Allele origin: germline.

Diagnostic Laboratory, Department of Genetics, University Medical Center Groningen
Classification: Likely benign. Review status: no assertion criteria provided. Collection method: clinical testing. Allele origin: germline. Affected: yes. Study: VKGL Data-share Consensus. Not counted in ClinVar's aggregate classification.

Genome Diagnostics Laboratory, University Medical Center Utrecht
Classification: Likely benign. Review status: no assertion criteria provided. Collection method: clinical testing. Allele origin: germline. Affected: yes. Study: VKGL Data-share Consensus. Not counted in ClinVar's aggregate classification.